The following is an entry in ClinVar:

ClinVar aggregate classification (germline): Uncertain significance (1 of 4 stars; one submission).

Conditions:
Myofibrillar myopathy 4. Also called: Zaspopathy (type). Identifiers: Orphanet 98912, MedGen C4721886, MONDO:0012277, OMIM 609452.

Submission:

Labcorp Genetics (formerly Invitae), Labcorp
Classification: Uncertain significance for Myofibrillar myopathy 4. Last evaluated: 2016-01-01. Review status: criteria provided, single submitter. Criteria: Invitae Variant Classification Sherloc (09022015). Collection method: clinical testing. Allele origin: germline.
Comment: This variant is a gross deletion of the genomic region encompassing exons 1 to 4 of the LDB3 gene, which includes the initiator codon. The 3' boundary is likely confined to the intronic region between exons 4 and 5; the 5' end of this event is unknown as it extends beyond the assayed region for this gene. This subgenic duplication is not present in population databases and has not been reported in the literature in individuals with an LDB3-related disease. In summary, this is a novel duplication with uncertain impact on protein function. It has been classified as a Variant of Uncertain Significance.

NM_007078.2(LDB3):c.-23-?_93+?dup

Gene: LDB3 (LIM domain binding 3; plus strand).
Variant type: Duplication.
Coding change: c.-23-?_93+?dup on transcript NM_007078.2.
Other names: c.-23-?_93+?dup (LRG_385t1).
Identifiers: ClinVar variation 254045 (VCV000254045.1).